The following is an entry in ClinVar:

NM_003000.3(SDHB):c.428T>G (p.Leu143Trp)

Gene: SDHB (succinate dehydrogenase complex iron sulfur subunit B; minus strand). Cytogenetic location: 1p36.13.
Variant type: single nucleotide variant.
Coding change: c.428T>G on transcript NM_003000.3 (MANE Select); coding-DNA position 428, T replaced by G.
Protein change: p.Leu143Trp; replaces leucine 143 with tryptophan.
Molecular consequence: missense variant.
Genome position (GRCh38, 1-based): chr1:17,027,861, A>C on the plus strand (T>G on the coding strand, the complement: SDHB is on the minus strand). VCF-style: chr1-17027861-A-C. GRCh37 (hg19) VCF-style: chr1-17354356-A-C.
Other names: c.374T>G, p.Leu125Trp (NM_001407361.1); short protein forms L125W, L143W.
Identifiers: ClinVar variation 4844164 (VCV004844164.1).

ClinVar aggregate classification (germline): Uncertain significance (1 of 4 stars; one submission).

Conditions:
Hereditary cancer-predisposing syndrome. Also called: Neoplastic Syndromes, Hereditary; Tumor predisposition; Hereditary Cancer Syndrome; Hereditary neoplastic syndrome. Identifiers: Orphanet 140162, MedGen C0027672, MeSH D009386, MONDO:0015356.

Submission:

Ambry Genetics
Classification: Uncertain significance for Hereditary cancer-predisposing syndrome. Last evaluated: 2026-02-21. Review status: criteria provided, single submitter. Criteria: Ambry Variant Classification Scheme 2023. Collection method: clinical testing. Allele origin: germline.
Comment: The p.L143W variant (also known as c.428T>G), located in coding exon 5 of the SDHB gene, results from a T to G substitution at nucleotide position 428. The leucine at codon 143 is replaced by tryptophan, an amino acid with similar properties. This amino acid position is conserved. In addition, this alteration is predicted to be deleterious by in silico analysis. Based on the available evidence, the clinical significance of this variant remains unclear.